The following is an entry in ClinVar:

NM_015100.4(POGZ):c.497C>G (p.Ala166Gly)

Gene: POGZ (pogo transposable element derived with ZNF domain; minus strand). Cytogenetic location: 1q21.3.
Variant type: single nucleotide variant.
Coding change: c.497C>G on transcript NM_015100.4 (MANE Select); coding-DNA position 497, C replaced by G.
Protein change: p.Ala166Gly; replaces alanine 166 with glycine.
Molecular consequence: missense variant. On other transcripts: intron variant (1).
Genome position (GRCh38, 1-based): chr1:151,429,674, G>C on the plus strand (C>G on the coding strand, the complement: POGZ is on the minus strand). VCF-style: chr1-151429674-G-C. GRCh37 (hg19) VCF-style: chr1-151402150-G-C.
Other names: c.497C>G, p.Ala166Gly (NM_001194937.2); c.338C>G, p.Ala113Gly (NM_001194938.2, NM_207171.2); c.518C>G, p.Ala173Gly (NM_001410860.1); c.284-1261C>G (NM_145796.4); short protein forms A113G, A166G, A173G.
Identifiers: ClinVar variation 5016964 (VCV005016964.1).
Genomic context (GRCh38, chr1:151,429,674, plus strand): 5'-GTAATTGGTCTAACCGTTTGGCCTTGCTGTACGTTCAGCACAATCCCAACCTGATTCATT[G>C]CATTTTGTACAGGCCGGACATTCCTTACAGGAAATCCCTGTATTAAAAAGCAAAATGATC-3'
Protein context (NP_055915.2, residues 156-176): PVRNVRPVQN[Ala166Gly]MNQVGIVLNV

ClinVar aggregate classification (germline): Uncertain significance (1 of 4 stars; one submission).

Submission:

GeneDx
Classification: Uncertain significance. Last evaluated: 2026-03-25. Review status: criteria provided, single submitter. Criteria: GeneDx Variant Classification Process June 2021. Collection method: clinical testing. Allele origin: germline.
Comment: Not observed at significant frequency in large population cohorts (gnomAD); In silico analysis suggests that this missense variant does not alter protein structure/function; Has not been previously published as pathogenic or benign to our knowledge